The following is an entry in ClinVar:

NM_021008.4(DEAF1):c.842G>A (p.Cys281Tyr)

Gene: DEAF1 (DEAF1 transcription factor; minus strand). Cytogenetic location: 11p15.5.
Variant type: single nucleotide variant.
Coding change: c.842G>A on transcript NM_021008.4 (MANE Select); coding-DNA position 842, G replaced by A.
Protein change: p.Cys281Tyr; replaces cysteine 281 with tyrosine.
Molecular consequence: missense variant. On other transcripts: synonymous variant (1).
Genome position (GRCh38, 1-based): chr11:684,926, C>T on the plus strand (G>A on the coding strand, the complement: DEAF1 is on the minus strand). VCF-style: chr11-684926-C-T. GRCh37 (hg19) VCF-style: chr11-684926-C-T.
Other names: c.702G>A, p.Leu234= (NM_001293634.2); c.116G>A, p.Cys39Tyr (NM_001367390.1); short protein forms C281Y, C39Y.
Identifiers: ClinVar variation 3718621 (VCV003718621.2).

ClinVar aggregate classification (germline): Pathogenic (1 of 4 stars; one submission).

Submission:

Labcorp Genetics (formerly Invitae), Labcorp
Classification: Pathogenic. Last evaluated: 2024-10-16. Review status: criteria provided, single submitter. Criteria: Invitae Variant Classification Sherloc (09022015). Collection method: clinical testing. Allele origin: germline.
Comment: This sequence change replaces cysteine, which is neutral and slightly polar, with tyrosine, which is neutral and polar, at codon 281 of the DEAF1 protein (p.Cys281Tyr). This variant is not present in population databases (gnomAD no frequency). This missense change has been observed in individual(s) with clinical features of DEAF1-related conditions (PMID: 30952489; internal data). In at least one individual the variant was observed to be de novo. Invitae Evidence Modeling of protein sequence and biophysical properties (such as structural, functional, and spatial information, amino acid conservation, physicochemical variation, residue mobility, and thermodynamic stability) indicates that this missense variant is expected to disrupt DEAF1 protein function with a positive predictive value of 95%. For these reasons, this variant has been classified as Pathogenic.

Literature cited by the submitters: PubMed 30952489.